The following is an entry in ClinVar:

ClinVar aggregate classification (germline): Uncertain significance. Review status: criteria provided, multiple submitters, no conflicts (2 of 4 stars). 2 submissions from 2 submitters: Uncertain significance (2). Last evaluated 2024-11-01.

Conditions:
Inborn genetic diseases. Identifiers: MedGen C0950123, MeSH D030342.

Allele frequency attached by ClinVar (database versions not stated): ExAC 0.00002; gnomAD 0.00003.
gnomAD v4.1: 25 of 1,614,160 alleles (0.0015%); highest among the groups gnomAD compares: East Asian, 0.02%; no homozygotes.

Submissions (2):

CeGaT Center for Human Genetics Tuebingen
Classification: Uncertain significance. Last evaluated: 2024-11-01. Review status: criteria provided, single submitter. Criteria: CeGaT Center For Human Genetics Tuebingen Variant Classification Criteria Version 2. Collection method: clinical testing. Allele origin: germline. Affected: yes. Observed: 1 variant allele.
Comment: UPB1: PM2

Ambry Genetics
Classification: Uncertain significance for Inborn genetic diseases. Last evaluated: 2023-06-29. Review status: criteria provided, single submitter. Criteria: Ambry Variant Classification Scheme 2023. Collection method: clinical testing. Allele origin: germline.

NM_016327.3(UPB1):c.994C>T (p.Arg332Cys)

Gene: UPB1 (beta-ureidopropionase 1; plus strand). Cytogenetic location: 22q11.23.
Variant type: single nucleotide variant.
Coding change: c.994C>T on transcript NM_016327.3 (MANE Select); coding-DNA position 994, C replaced by T.
Protein change: p.Arg332Cys; replaces arginine 332 with cysteine.
Molecular consequence: missense variant.
Genome position (GRCh38, 1-based): chr22:24,523,696, C>T. VCF-style: chr22-24523696-C-T. GRCh37 (hg19) VCF-style: chr22-24919664-C-T.
Other names: short protein forms R332C.
Identifiers: ClinVar variation 2595306 (VCV002595306.16), dbSNP rs758666376, ClinGen allele CA10153461.
Genomic context (GRCh38, chr22:24,523,696, plus strand): 5'-TACTTTTATGGCTCGAGCTATGTGGCAGCCCCTGACAGCAGCCGGACTCCTGGGCTGTCC[C>T]GTAGCCGGGATGGACTGCTAGTTGCTAAGCTCGACCTAAACCTCTGCCAGCAGGTGAATG-3'
Protein context (NP_057411.1, residues 322-342): PDSSRTPGLS[Arg332Cys]SRDGLLVAKL